The following is an entry in ClinVar:

ClinVar aggregate classification (germline): Conflicting classifications of pathogenicity. Review status: criteria provided, conflicting classifications (1 of 4 stars). 9 submissions from 9 submitters: Likely pathogenic (1); Uncertain significance (7). 1 of the submissions does not count toward it. Last evaluated 2026-07-01.

Conditions:
Malignant hyperthermia of anesthesia. Also called: Anesthesic-triggered malignant hyperthermia. Identifiers: Orphanet 423, MedGen C0024591, MONDO:0018493, HP:0034733.
Malignant hyperthermia, susceptibility to, 1 (MHS1). Also called: RYR1-Related Malignant Hyperthermia Susceptibility; Anesthesia related hyperthermia; Malignant hyperpyrexia; Fulminating hyperpyrexia; Pharmacogenic myopathy; Malignant hyperthermia suceptibility 1. Identifiers: Orphanet 423, MedGen C2930980, MONDO:0007783, OMIM 145600.
Inborn genetic diseases. Identifiers: MedGen C0950123, MeSH D030342.
RYR1-related disorder. Also called: RYR1-related disorders; RYR1-related condition. Identifiers: MedGen CN239331.
Congenital multicore myopathy with external ophthalmoplegia (CMYO1B). Also called: MULTIMINICORE DISEASE WITH EXTERNAL OPHTHALMOPLEGIA; Minicore myopathy with external ophthalmoplegia; MULTICORE MYOPATHY; Congenital myopathy 1B, autosomal recessive; Minicore myopathy. Identifiers: Orphanet 598, Orphanet 98905, MedGen C1850674, MONDO:0009712, OMIM 255320, HP:0003789.

Allele frequency attached by ClinVar (database versions not stated): gnomAD exomes 0.00001; TOPMed below 0.00001; gnomAD 0.00001; ExAC 0.00002; ESP Exome Variant Server 0.00008.
gnomAD v4.1: 16 of 1,613,838 alleles (0.00099%); highest among the groups gnomAD compares: Middle Eastern, 0.016%; no homozygotes.

Submissions (9):

Ambry Genetics
Classification: Uncertain significance for Inborn genetic diseases. Last evaluated: 2026-07-01. Review status: criteria provided, single submitter. Criteria: Ambry Variant Classification Scheme 2023. Collection method: clinical testing. Allele origin: germline.
Comment: The p.R5030C variant (also known as c.15088C>T), located in coding exon 106 of the RYR1 gene, results from a C to T substitution at nucleotide position 15088. The arginine at codon 5030 is replaced by cysteine, an amino acid with highly dissimilar properties. This amino acid position is conserved. In addition, this alteration is predicted to be deleterious by in silico analysis. Based on the available evidence, the clinical significance of this variant remains unclear.

GeneDx
Classification: Uncertain significance. Last evaluated: 2025-04-02. Review status: criteria provided, single submitter. Criteria: GeneDx Variant Classification Process June 2021. Collection method: clinical testing. Allele origin: germline.
Comment: Not observed at significant frequency in large population cohorts (gnomAD); In silico analysis supports that this missense variant has a deleterious effect on protein structure/function; Has not been previously published as pathogenic or benign to our knowledge

PreventionGenetics, part of Exact Sciences
Classification: Uncertain significance for RYR1-related condition. Last evaluated: 2025-03-19. Review status: criteria provided, single submitter. Criteria: ACMG Guidelines, 2015. Collection method: clinical testing. Allele origin: germline.
Comment: The RYR1 c.15088C>T variant is predicted to result in the amino acid substitution p.Arg5030Cys. To our knowledge, this variant has not been reported in the literature. This variant is reported in 0.0023% of alleles in individuals of European (Non-Finnish) descent in gnomAD. At this time, the clinical significance of this variant is uncertain due to the absence of conclusive functional and genetic evidence.

Institute of Human Genetics, University of Leipzig Medical Center
Classification: Likely pathogenic for Congenital multicore myopathy with external ophthalmoplegia. Last evaluated: 2025-03-04. Review status: criteria provided, single submitter. Criteria: ACMG Guidelines, 2015. Collection method: clinical testing. Allele origin: maternal. Inheritance: Autosomal recessive inheritance. Affected: yes.
Comment: Criteria applied: PM3,PM2,PM5_SUP,PP3; Identified as compund heterozygous with NM_000540.3:c.14573A>G

Labcorp Genetics (formerly Invitae), Labcorp
Classification: Uncertain significance for RYR1-related disorder. Last evaluated: 2025-02-10. Review status: criteria provided, single submitter. Criteria: Invitae Variant Classification Sherloc (09022015). Collection method: clinical testing. Allele origin: germline.
Comment: This sequence change replaces arginine, which is basic and polar, with cysteine, which is neutral and slightly polar, at codon 5030 of the RYR1 protein (p.Arg5030Cys). This variant is present in population databases (rs374070555, gnomAD 0.002%). This variant has not been reported in the literature in individuals affected with RYR1-related conditions. ClinVar contains an entry for this variant (Variation ID: 291314). Invitae Evidence Modeling of protein sequence and biophysical properties (such as structural, functional, and spatial information, amino acid conservation, physicochemical variation, residue mobility, and thermodynamic stability) has been performed for this missense variant. However, the output from this modeling did not meet the statistical confidence thresholds required to predict the impact of this variant on RYR1 protein function. In summary, the available evidence is currently insufficient to determine the role of this variant in disease. Therefore, it has been classified as a Variant of Uncertain Significance.

All of Us Research Program, National Institutes of Health
Classification: Uncertain significance for Malignant hyperthermia, susceptibility to, 1. Last evaluated: 2024-09-23. Review status: criteria provided, single submitter. Criteria: ACMG Guidelines, 2015. Collection method: clinical testing. Allele origin: germline. Inheritance: Autosomal dominant inheritance. Observed: 10 variant alleles, 10 heterozygotes.
Comment: This missense variant replaces arginine with cysteine at codon 5030 of the RYR1 protein. Computational prediction suggests that this variant may have deleterious impact on protein structure and function (internally defined REVEL score threshold >= 0.7, PMID: 27666373). To our knowledge, functional studies have not been reported for this variant. This variant has not been reported in individuals affected with malignant hyperthermia in the literature. This variant has been identified in 3/282808 chromosomes in the general population by the Genome Aggregation Database (gnomAD). The available evidence is insufficient to determine the role of this variant in disease conclusively. Therefore, this variant is classified as a Variant of Uncertain Significance.

This study involves interpretation of variants in research participants for the purpose of population health screening. Participant phenotype was not available at the time of variant classification. Additional details can be found in publication PMID: 35346344, PMCID: PMC8962531

Color Diagnostics, LLC DBA Color Health
Classification: Uncertain significance for Malignant hyperthermia, susceptibility to, 1. Last evaluated: 2024-03-06. Review status: criteria provided, single submitter. Criteria: ACMG Guidelines, 2015. Collection method: clinical testing. Allele origin: germline.
Comment: This missense variant replaces arginine with cysteine at codon 5030 of the RYR1 protein. Computational prediction suggests that this variant may have deleterious impact on protein structure and function. To our knowledge, functional studies have not been reported for this variant. This variant has not been reported in individuals affected with RYR1-related disorders in the literature. This variant has been identified in 3/282808 chromosomes in the general population by the Genome Aggregation Database (gnomAD). The available evidence is insufficient to determine the role of this variant in disease conclusively. Therefore, this variant is classified as a Variant of Uncertain Significance.

Revvity Omics, Revvity
Classification: Uncertain significance. Last evaluated: 2020-02-24. Review status: criteria provided, single submitter. Criteria: ACMG Guidelines, 2015. Collection method: clinical testing. Allele origin: germline.

Institute of Human Genetics, University of Wuerzburg
Classification: Uncertain significance for Malignant hyperthermia. Review status: no assertion criteria provided. Collection method: clinical testing. Allele origin: unknown. Not counted in ClinVar's aggregate classification.

NM_000540.3(RYR1):c.15088C>T (p.Arg5030Cys)

Gene: RYR1 (ryanodine receptor 1; plus strand). Cytogenetic location: 19q13.2.
Variant type: single nucleotide variant.
Coding change: c.15088C>T on transcript NM_000540.3 (MANE Select); coding-DNA position 15088, C replaced by T.
Protein change: p.Arg5030Cys; replaces arginine 5030 with cysteine.
Molecular consequence: missense variant.
Genome position (GRCh38, 1-based): chr19:38,587,391, C>T. VCF-style: chr19-38587391-C-T. GRCh37 (hg19) VCF-style: chr19-39078031-C-T.
Other names: c.15073C>T, p.Arg5025Cys (NM_001042723.2); short protein forms R5030C, R5025C.
Identifiers: ClinVar variation 291314 (VCV000291314.20), dbSNP rs374070555, ClinGen allele CA062051.